The following is an entry in ClinVar:

NM_014053.4(FLVCR1):c.1559T>C (p.Ile520Thr)

Gene: FLVCR1 (FLVCR choline and heme transporter 1; plus strand). Cytogenetic location: 1q32.3.
Variant type: single nucleotide variant.
Coding change: c.1559T>C on transcript NM_014053.4 (MANE Select); coding-DNA position 1559, T replaced by C.
Protein change: p.Ile520Thr; replaces isoleucine 520 with threonine.
Molecular consequence: missense variant.
Genome position (GRCh38, 1-based): chr1:212,895,019, T>C. VCF-style: chr1-212895019-T-C. GRCh37 (hg19) VCF-style: chr1-213068361-T-C.
Other names: short protein forms I520T.
Identifiers: ClinVar variation 1044298 (VCV001044298.8), dbSNP rs1665297200, ClinGen allele CA344794277.

ClinVar aggregate classification (germline): Uncertain significance (1 of 4 stars; one submission).

Submission:

Labcorp Genetics (formerly Invitae), Labcorp
Classification: Uncertain significance. Last evaluated: 2020-10-28. Review status: criteria provided, single submitter. Criteria: Invitae Variant Classification Sherloc (09022015). Collection method: clinical testing. Allele origin: germline.
Comment: Algorithms developed to predict the effect of missense changes on protein structure and function (SIFT, PolyPhen-2, Align-GVGD) all suggest that this variant is likely to be tolerated, but these predictions have not been confirmed by published functional studies and their clinical significance is uncertain. In summary, the available evidence is currently insufficient to determine the role of this variant in disease. Therefore, it has been classified as a Variant of Uncertain Significance. This variant has not been reported in the literature in individuals with FLVCR1-related conditions. This variant is not present in population databases (ExAC no frequency). This sequence change replaces isoleucine with threonine at codon 520 of the FLVCR1 protein (p.Ile520Thr). The isoleucine residue is moderately conserved and there is a moderate physicochemical difference between isoleucine and threonine.